The following is an entry in ClinVar:

NM_000059.4(BRCA2):c.4621A>T (p.Lys1541Ter)

Gene: BRCA2 (BRCA2 DNA repair associated; plus strand). Cytogenetic location: 13q13.1.
Variant type: single nucleotide variant.
Coding change: c.4621A>T on transcript NM_000059.4 (MANE Select); coding-DNA position 4621, A replaced by T.
Protein change: p.Lys1541Ter; replaces lysine 1541 with a stop codon.
Molecular consequence: nonsense. On other transcripts: non-coding transcript variant (1), intron variant (2).
Genome position (GRCh38, 1-based): chr13:32,338,976, A>T. VCF-style: chr13-32338976-A-T. GRCh37 (hg19) VCF-style: chr13-32913113-A-T.
Other names: c.4621A>T, p.Lys1541Ter (NM_001406719.1, NM_001406720.1, NM_001432077.1); c.1910-5582A>T (NM_001406721.1); c.425-5582A>T (NM_001406722.1); short protein forms K1541*.
Identifiers: ClinVar variation 4686571 (VCV004686571.1).

ClinVar aggregate classification (germline): Likely pathogenic (1 of 4 stars; one submission).

Conditions:
Breast-ovarian cancer, familial, susceptibility to, 2 (BROVCA2). Also called: BRCA2 Hereditary Breast and Ovarian Cancer. Identifiers: Orphanet 145, MedGen C2675520, MONDO:0012933, OMIM 612555. Disease mechanism: loss of function.

Submission:

KCCC/NGS Laboratory, Kuwait Cancer Control Center
Classification: Likely pathogenic for Breast-ovarian cancer, familial, susceptibility to, 2. Last evaluated: 2025-12-01. Review status: criteria provided, single submitter. Criteria: ACMG Guidelines, 2015. Collection method: clinical testing. Allele origin: germline. Inheritance: Autosomal dominant inheritance. Affected: yes.
Comment: The p.Lys1541Ter is novel mutation, located in coding exon 11 of the BRCA2 gene, results from an A to T substitution at nucleotide position 4621. This changes the amino acid from a lysine to a stop codon within coding exon 11. This variant is not found in the Genome Aggregation Database (gnomAD). This alteration is expected to result in loss of function by premature protein truncation or nonsense-mediated mRNA decay. As such, this alteration is interpreted as a disease-causing mutation. This amino acid is highly conservative (PhyloP =7.27). Therefore, we classify this variant as Likely Pathogenic .